The following is an entry in ClinVar:

ClinVar aggregate classification (germline): Benign. Review status: criteria provided, multiple submitters, no conflicts (2 of 4 stars). 4 submissions from 4 submitters: Benign (4). Last evaluated 2026-04-02.

Conditions:
SORL1-related disorder. Also called: SORL1-related condition.

Allele frequency attached by ClinVar (database versions not stated): gnomAD exomes 0.00111; ExAC 0.00128; 1000 Genomes Project 30x 0.00312; 1000 Genomes Project 0.00339; gnomAD 0.00429 and 0.00461; ESP Exome Variant Server 0.00523.
gnomAD v4.1: 1,234 of 1,614,150 alleles (0.076%); highest among the groups gnomAD compares: African/African-American, 1.4%; 5 homozygotes.

Submissions (4):

PreventionGenetics, part of Exact Sciences
Classification: Benign for SORL1-related condition. Last evaluated: 2026-04-02. Review status: criteria provided, single submitter. Criteria: ACMG Guidelines, 2015. Collection method: clinical testing. Allele origin: germline.
Comment: This variant is classified as benign based on ACMG/AMP sequence variant interpretation guidelines (Richards et al. 2015 PMID: 25741868, with internal and published modifications).

Labcorp Genetics (formerly Invitae), Labcorp
Classification: Benign. Last evaluated: 2025-12-08. Review status: criteria provided, single submitter. Criteria: Invitae Variant Classification Sherloc (09022015). Collection method: clinical testing. Allele origin: germline.

Mendelics
Classification: Benign. Last evaluated: 2022-05-04. Review status: criteria provided, single submitter. Criteria: Mendelics Assertion Criteria 2019. Collection method: clinical testing. Allele origin: germline.

Breakthrough Genomics
Classification: Benign. Review status: criteria provided, single submitter. Criteria: ACMG Guidelines, 2015. Collection method: not provided. Allele origin: germline. Inheritance: Unknown mechanism. Affected: yes.

NM_003105.6(SORL1):c.2840C>T (p.Thr947Met)

Gene: SORL1 (sortilin related receptor 1; plus strand). Cytogenetic location: 11q24.1.
Variant type: single nucleotide variant.
Coding change: c.2840C>T on transcript NM_003105.6 (MANE Select); coding-DNA position 2840, C replaced by T.
Protein change: p.Thr947Met; replaces threonine 947 with methionine.
Molecular consequence: missense variant.
Genome position (GRCh38, 1-based): chr11:121,558,767, C>T. VCF-style: chr11-121558767-C-T. GRCh37 (hg19) VCF-style: chr11-121429476-C-T.
Other names: c.2840C>T (NM_003105.5); short protein forms T947M.
Identifiers: ClinVar variation 1169971 (VCV001169971.12), dbSNP rs143571823, ClinGen allele CA6329068.